The following is an entry in ClinVar:

ClinVar aggregate classification (germline): Benign (1 of 4 stars; one submission).

Conditions:
Von Hippel-Lindau syndrome (VHLS). Also called: Von Hippel-Lindau; VHL syndrome; von Hippel–Lindau syndrome. Identifiers: Orphanet 892, MedGen C0019562, MONDO:0008667, OMIM 193300. Disease mechanism: loss of function.

Allele frequency attached by ClinVar (database versions not stated): gnomAD exomes 0.00091; gnomAD 0.00599 and 0.00645; 1000 Genomes Project 0.00679; TOPMed 0.00703; 1000 Genomes Project 30x 0.00765.

Submission:

Illumina Laboratory Services, Illumina
Classification: Benign for Von Hippel-Lindau syndrome. Last evaluated: 2018-01-13. Review status: criteria provided, single submitter. Criteria: ICSL Variant Classification Criteria 13 December 2019. Collection method: clinical testing. Allele origin: germline.
Comment: This variant was observed in the ICSL laboratory as part of a predisposition screen in an ostensibly healthy population. It had not been previously curated by ICSL or reported in the Human Gene Mutation Database (HGMD: prior to June 1st, 2018), and was therefore a candidate for classification through an automated scoring system. Utilizing variant allele frequency, disease prevalence and penetrance estimates, and inheritance mode, an automated score was calculated to assess if this variant is too frequent to cause the disease. Based on the score and internal cut-off values, a variant classified as benign is not then subjected to further curation. The score for this variant resulted in a classification of benign for this disease.

NM_000551.4(VHL):c.*2201G>A

Genes: VHL (von Hippel-Lindau tumor suppressor; plus strand), LOC107303340 (3p25 von Hippel-Lindau tumor suppressor, E3 ubiquitin protein ligase Alu-mediated recombination region; plus strand). Cytogenetic location: 3p25.3.
Variant type: single nucleotide variant.
Coding change: c.*2201G>A on transcript NM_000551.4 (MANE Select); 2201 bases downstream of the stop codon, G replaced by A.
Molecular consequence: 3 prime UTR variant.
Genome position (GRCh38, 1-based): chr3:10,152,166, G>A. VCF-style: chr3-10152166-G-A. GRCh37 (hg19) VCF-style: chr3-10193850-G-A.
Other names: c.*2397G>A (NM_001354723.2); c.*2201G>A (NM_198156.3).
Identifiers: ClinVar variation 902373 (VCV000902373.4), dbSNP rs145666034, ClinGen allele CA70054256.